The following is an entry in ClinVar:

ClinVar aggregate classification (germline): Likely pathogenic (1 of 4 stars; one submission).

Conditions:
Brachydactyly type A1. Also called: FARABEE-TYPE BRACHYDACTYLY; SHORT STATURE WITH NONSPECIFIC SKELETAL ABNORMALITIES 2. Identifiers: Orphanet 93388, MedGen C1862151, MONDO:0007215, OMIM 112500, HP:0009371.

Submission:

Victorian Clinical Genetics Services, Murdoch Childrens Research Institute
Classification: Likely pathogenic for Brachydactyly type A1. Last evaluated: 2020-10-19. Review status: criteria provided, single submitter. Criteria: ACMG Guidelines, 2015. Collection method: clinical testing. Allele origin: germline. Inheritance: Autosomal dominant inheritance. Affected: yes.
Comment: Based on the classification scheme VCGS_Germline_v1.3.3, this variant is classified as Likely Pathogenic. Following criteria are met: 0104 - Dominant negative is a likely mechanism of disease in this gene and is associated with brachydactyly, type A1 (MIM#112500) (PMID: 19252479; 21537345). Variants causing BDHA1 typically cluster within a specific region of the N-terminal active fragment of IHH (amino acid codons 95 – 154) (PMID: 19277064) (I) 0108 - This gene is associated with both recessive and dominant disease (OMIM). (I) 0200 - Variant is predicted to result in a missense amino acid change from lysine to threonine. (I) 0251 - This variant is heterozygous. (I) 0301 - Variant is absent from gnomAD (both v2 and v3). (SP) 0309 - An alternative amino acid change at the same position has been observed in gnomAD (v2) (1 heterozygote, 0 homozygotes). (I) 0501 - Missense variant consistently predicted to be damaging by multiple in silico tools or highly conserved with a major amino acid change. (SP) 0603 - Missense variant in a region that is highly intolerant to missense variation (high constraint region in DECIPHER) within the Hedgehog amino-terminal signalling domain. (SP) 0705 - No comparable missense variants have previous evidence for pathogenicity. (I) 0807 - This variant has no previous evidence of pathogenicity. (I) 0905 - No published segregation evidence has been identified for this variant. (I) 1007 - No published functional evidence has been identified for this variant. (SP) Legend: (SP) - Supporting pathogenic, (I) - Information, (SB) - Supporting benign

Literature cited by the submitters: PubMed 19252479; PubMed 19277064; PubMed 21537345.

NM_002181.4(IHH):c.485A>C (p.Lys162Thr)

Gene: IHH (Indian hedgehog signaling molecule; minus strand). Cytogenetic location: 2q35.
Variant type: single nucleotide variant.
Coding change: c.485A>C on transcript NM_002181.4 (MANE Select); coding-DNA position 485, A replaced by C.
Protein change: p.Lys162Thr; replaces lysine 162 with threonine.
Molecular consequence: missense variant.
Genome position (GRCh38, 1-based): chr2:219,057,525, T>G on the plus strand (A>C on the coding strand, the complement: IHH is on the minus strand). VCF-style: chr2-219057525-T-G. GRCh37 (hg19) VCF-style: chr2-219922247-T-G.
Other names: short protein forms K162T.
Identifiers: ClinVar variation 3376840 (VCV003376840.1).
Genomic context (GRCh38, chr2:219,057,525, plus strand): 5'-GACTCGTAATACACCCAGTCAAAGCCGGCCTCCACTGCCAAGCGCGCCAGCAGTCCATAC[T>G]TATTGCGGTCGCGGTCTGATGTGGTGATGTCCACCGCGCGGCCCTCATAATGCAGGGACT-3'
Protein context (NP_002172.2, residues 152-172): DITTSDRDRN[Lys162Thr]YGLLARLAVE